The following is an entry in ClinVar:

NM_020066.5(FMN2):c.2883G>A (p.Gly961=)

Gene: FMN2 (formin 2; plus strand). Cytogenetic location: 1q43.
Variant type: single nucleotide variant.
Coding change: c.2883G>A on transcript NM_020066.5 (MANE Select); coding-DNA position 2883, G replaced by A.
Protein change: p.Gly961=; no amino-acid change (glycine 961 retained).
Molecular consequence: synonymous variant. On other transcripts: intron variant (1).
Genome position (GRCh38, 1-based): chr1:240,207,695, G>A. VCF-style: chr1-240207695-G-A. GRCh37 (hg19) VCF-style: chr1-240370995-G-A.
Other names: c.2895G>A, p.Gly965= (NM_001305424.2); c.1986+19433G>A (NM_001348094.2).
Identifiers: ClinVar variation 3041290 (VCV003041290.1), dbSNP rs201866430, ClinGen allele CA1476847.

ClinVar aggregate classification (germline): Likely benign (1 of 4 stars; one submission).

Conditions:
FMN2-related disorder. Also called: FMN2-related condition.

Allele frequency attached by ClinVar (database versions not stated): ExAC 0.00403; gnomAD exomes 0.00824.

Submission:

PreventionGenetics, part of Exact Sciences
Classification: Likely benign for FMN2-related condition. Last evaluated: 2021-03-31. Review status: criteria provided, single submitter. Criteria: ACMG Guidelines, 2015. Collection method: clinical testing. Allele origin: germline.
Comment: This variant is classified as likely benign based on ACMG/AMP sequence variant interpretation guidelines (Richards et al. 2015 PMID: 25741868, with internal and published modifications).